The following is an entry in ClinVar:

NM_000138.5(FBN1):c.4177_4199del (p.Glu1393fs)

Gene: FBN1 (fibrillin 1; minus strand). Cytogenetic location: 15q21.1.
Variant type: Deletion.
Coding change: c.4177_4199del on transcript NM_000138.5 (MANE Select); coding-DNA positions 4177 to 4199, 23 bases deleted (GAAGGATACACAGGTGATGGCTT).
Protein change: p.Glu1393fs; shifts the reading frame from glutamic acid 1393.
Molecular consequence: frameshift variant.
Genome position (GRCh38, 1-based): chr15:48,474,266-48,474,288, AAGCCATCACCTGTGTATCCTTC deleted on the plus strand (GAAGGATACACAGGTGATGGCTT on the coding strand, the reverse complement: FBN1 is on the minus strand). VCF-style (leftmost placement, unchanged base first): chr15-48474265-GAAGCCATCACCTGTGTATCCTTC-G. GRCh37 (hg19) VCF-style: chr15-48766462-GAAGCCATCACCTGTGTATCCTTC-G.
Other names: c.4177_4199delGAAGGATACACAGGTGATGGCTT (NM_000138.4); short protein forms E1393fs.
Identifiers: ClinVar variation 572456 (VCV000572456.14), dbSNP rs1566906389, ClinGen allele CA891844498.

ClinVar aggregate classification (germline): Pathogenic. Review status: criteria provided, multiple submitters, no conflicts (2 of 4 stars). 2 submissions from 2 submitters: Pathogenic (2). Last evaluated 2018-05-14.

Conditions:
Familial thoracic aortic aneurysm and aortic dissection (TAAD). Also called: Thoracic aortic aneurysms and dissections. Identifiers: Orphanet 91387, MedGen C4707243, MONDO:0019625.
Marfan syndrome (MFS). Also called: FBN1-Related Marfan Syndrome; Marfan syndrome type 1; Marfan's syndrome; Marfan syndrome, classic; MARFAN SYNDROME, TYPE I. Identifiers: Orphanet 284963, Orphanet 558, MedGen C0024796, MONDO:0007947, OMIM 154700.

Submissions (2):

Labcorp Genetics (formerly Invitae), Labcorp
Classification: Pathogenic for Marfan syndrome; Familial thoracic aortic aneurysm and aortic dissection. Last evaluated: 2018-05-14. Review status: criteria provided, single submitter. Criteria: Invitae Variant Classification Sherloc (09022015). Collection method: clinical testing. Allele origin: germline.
Comment: For these reasons, this variant has been classified as Pathogenic. Loss-of-function variants in FBN1 are known to be pathogenic (PMID: 17657824, 19293843). Algorithms developed to predict the effect of sequence changes on RNA splicing suggest that this variant may create or strengthen a splice site, but this prediction has not been confirmed by published transcriptional studies. This variant has not been reported in the literature in individuals with FBN1-related disease. This variant is not present in population databases (ExAC no frequency). This sequence change creates a premature translational stop signal (p.Glu1393Hisfs*6) in the FBN1 gene. It is expected to result in an absent or disrupted protein product.

ARUP Laboratories, Molecular Genetics and Genomics, ARUP Laboratories
Classification: Pathogenic. Last evaluated: 2018-01-31. Review status: criteria provided, single submitter. Criteria: ARUP Molecular Germline Variant Investigation Process. Collection method: clinical testing. Allele origin: germline.
Comment: The FBN1 c.4177_4199del; p.Glu1393fs variant, to our knowledge, is not reported in the medical literature or gene-specific databases. This variant is also absent from general population databases (1000 Genomes Project, Exome Variant Server, and Genome Aggregation Database), indicating it is not a common polymorphism. A different variant, c.4177delG; p.Glu1393fs, has been reported in individuals and families affected with Marfan syndrome; further, in vitro functional analyses of this variant protein shows a marked reduction in fibrillin synthesis and matrix deposition as well as translation of a truncated protein product (Aoyama 1994, Schrijver 2002). Similarly, the c.4177_4199del variant causes a frameshift by deleting 23 nucleotides and is predicted to result in a truncated protein or mRNA subject to nonsense-mediated decay. Based on the above information, this variant is considered pathogenic. References: Aoyama T et al. Quantitative differences in biosynthesis and extracellular deposition of fibrillin in cultured fibroblasts distinguish five groups of Marfan syndrome patients and suggest distinct pathogenetic mechanisms. J Clin Invest. 1994 Jul;94(1):130-7. Schrijver I et al. Premature Termination Mutations in FBN1: Distinct Effects on Differential Allelic Expression and on Protein and Clinical Phenotypes. Am J Hum Genet. 2002 Aug; 71(2): 223â€“237.

Literature cited by the submitters: PubMed 17657824 (cited by Labcorp Genetics (formerly Invitae), Labcorp); PubMed 19293843 (cited by Labcorp Genetics (formerly Invitae), Labcorp).